The following is an entry in ClinVar:

NM_001349253.2(SCN11A):c.3407C>A (p.Thr1136Asn)

Gene: SCN11A (sodium voltage-gated channel alpha subunit 11; minus strand). Cytogenetic location: 3p22.2.
Variant type: single nucleotide variant.
Coding change: c.3407C>A on transcript NM_001349253.2 (MANE Select); coding-DNA position 3407, C replaced by A.
Protein change: p.Thr1136Asn; replaces threonine 1136 with asparagine.
Molecular consequence: missense variant.
Genome position (GRCh38, 1-based): chr3:38,872,281, G>T on the plus strand (C>A on the coding strand, the complement: SCN11A is on the minus strand). VCF-style: chr3-38872281-G-T. GRCh37 (hg19) VCF-style: chr3-38913772-G-T.
Other names: c.3407C>A, p.Thr1136Asn (NM_014139.3); short protein forms T1136N.
Identifiers: ClinVar variation 1406899 (VCV001406899.7), dbSNP rs779400140, ClinGen allele CA2321794.

ClinVar aggregate classification (germline): Uncertain significance. Review status: criteria provided, multiple submitters, no conflicts (2 of 4 stars). 2 submissions from 2 submitters: Uncertain significance (2). Last evaluated 2022-12-16.

Conditions:
Hereditary sensory and autonomic neuropathy type 7. Also called: HSAN VII; Neuropathy, hereditary sensory and autonomic, type VII. Identifiers: Orphanet 391397, MedGen C3809882, MONDO:0014244, OMIM 615548.
Familial episodic pain syndrome with predominantly lower limb involvement. Also called: Episodic pain syndrome, familial, 3. Identifiers: Orphanet 391384, Orphanet 391392, MedGen C3809899, MONDO:0014247, OMIM 615552.

Allele frequency attached by ClinVar (database versions not stated): gnomAD exomes below 0.00001; ExAC 0.00001; gnomAD 0.00001.
gnomAD v4.1: 2 of 1,599,928 alleles (0.00013%); highest among the groups gnomAD compares: East Asian, 0.0045%; no homozygotes.

Submissions (2):

Labcorp Genetics (formerly Invitae), Labcorp
Classification: Uncertain significance for Familial episodic pain syndrome with predominantly lower limb involvement; Hereditary sensory and autonomic neuropathy type 7. Last evaluated: 2022-12-16. Review status: criteria provided, single submitter. Criteria: Invitae Variant Classification Sherloc (09022015). Collection method: clinical testing. Allele origin: germline.
Comment: This sequence change replaces threonine, which is neutral and polar, with asparagine, which is neutral and polar, at codon 1136 of the SCN11A protein (p.Thr1136Asn). This variant is present in population databases (rs779400140, gnomAD 0.006%). This variant has not been reported in the literature in individuals affected with SCN11A-related conditions. ClinVar contains an entry for this variant (Variation ID: 1406899). Advanced modeling of protein sequence and biophysical properties (such as structural, functional, and spatial information, amino acid conservation, physicochemical variation, residue mobility, and thermodynamic stability) performed at Invitae indicates that this missense variant is not expected to disrupt SCN11A protein function. In summary, the available evidence is currently insufficient to determine the role of this variant in disease. Therefore, it has been classified as a Variant of Uncertain Significance.

Blueprint Genetics
Classification: Uncertain significance. Last evaluated: 2021-04-08. Review status: criteria provided, single submitter. Criteria: ACMG Guidelines, 2015. Collection method: clinical testing. Allele origin: germline.